The following is an entry in ClinVar:

NM_001365536.1(SCN9A):c.1931T>A (p.Leu644His)

Genes: SCN1A-AS1 (SCN1A and SCN9A antisense RNA 1; plus strand), SCN9A (sodium voltage-gated channel alpha subunit 9; minus strand). Cytogenetic location: 2q24.3.
Variant type: single nucleotide variant.
Coding change: c.1931T>A on transcript NM_001365536.1 (MANE Select); coding-DNA position 1931, T replaced by A.
Protein change: p.Leu644His; replaces leucine 644 with histidine.
Molecular consequence: missense variant.
Genome position (GRCh38, 1-based): chr2:166,284,496, A>T on the plus strand (T>A on the coding strand, the complement: SCN9A is on the minus strand). VCF-style: chr2-166284496-A-T. GRCh37 (hg19) VCF-style: chr2-167141006-A-T.
Other names: c.1931T>A, p.Leu644His (NM_002977.4); short protein forms L644H.
Identifiers: ClinVar variation 2934650 (VCV002934650.3), dbSNP rs2468032623, ClinGen allele CA349082657.

ClinVar aggregate classification (germline): Uncertain significance (1 of 4 stars; one submission).

Conditions:
Neuropathy, hereditary sensory and autonomic, type 2A (HSAN2A). Also called: MORVAN DISEASE; NEUROPATHY, CONGENITAL SENSORY; NEUROPATHY, HEREDITARY SENSORY RADICULAR, AUTOSOMAL RECESSIVE; NEUROPATHY, HEREDITARY SENSORY, TYPE IIA; NEUROPATHY, PROGRESSIVE SENSORY, OF CHILDREN; ACROOSTEOLYSIS, GIACCAI TYPE. Identifiers: Orphanet 970, MedGen C2752089, MONDO:0024309, OMIM 201300.
Generalized epilepsy with febrile seizures plus, type 7 (GEFSP7). Also called: GEFS+, TYPE 7. Identifiers: Orphanet 36387, MedGen C2751778, MONDO:0013470, OMIM 613863.

Submission:

Labcorp Genetics (formerly Invitae), Labcorp
Classification: Uncertain significance for Neuropathy, hereditary sensory and autonomic, type 2A; Generalized epilepsy with febrile seizures plus, type 7. Last evaluated: 2023-02-21. Review status: criteria provided, single submitter. Criteria: Invitae Variant Classification Sherloc (09022015). Collection method: clinical testing. Allele origin: germline.
Comment: In summary, the available evidence is currently insufficient to determine the role of this variant in disease. Therefore, it has been classified as a Variant of Uncertain Significance. Advanced modeling of protein sequence and biophysical properties (such as structural, functional, and spatial information, amino acid conservation, physicochemical variation, residue mobility, and thermodynamic stability) performed at Invitae indicates that this missense variant is not expected to disrupt SCN9A protein function. This variant has not been reported in the literature in individuals affected with SCN9A-related conditions. This variant is not present in population databases (gnomAD no frequency). This sequence change replaces leucine, which is neutral and non-polar, with histidine, which is basic and polar, at codon 644 of the SCN9A protein (p.Leu644His).